The following is an entry in ClinVar:

NM_001130987.2(DYSF):c.3648del (p.Trp1217fs)

Gene: DYSF (dysferlin; plus strand). Cytogenetic location: 2p13.2.
Variant type: Deletion.
Coding change: c.3648del on transcript NM_001130987.2 (MANE Select); coding-DNA position 3648, one base deleted (C; older notation c.3648delC).
Protein change: p.Trp1217fs; shifts the reading frame from tryptophan 1217.
Molecular consequence: frameshift variant.
Genome position (GRCh38, 1-based): chr2:71,598,637, C deleted; the last of 2 consecutive C bases (chr2:71,598,636-71,598,637); deleting either gives the same sequence. VCF-style (leftmost placement, unchanged base first): chr2-71598635-AC-A. GRCh37 (hg19) VCF-style: chr2-71825765-AC-A.
Other names: c.3597del, p.Trp1200fs (NM_001130455.2, NM_001130983.2); c.3552del, p.Trp1185fs (NM_001130976.2, NM_001130977.2); c.3594del, p.Trp1199fs (NM_001130978.2, NM_003494.4); c.3687del, p.Trp1230fs (NM_001130979.2); c.3645del, p.Trp1216fs (NM_001130980.2, NM_001130981.2); c.3690del, p.Trp1231fs (NM_001130982.2); c.3555del, p.Trp1186fs (NM_001130984.2, NM_001130986.2); c.3648del, p.Trp1217fs (NM_001130985.2); short protein forms W1186fs, W1199fs, W1216fs, W1217fs, W1230fs, W1185fs, W1200fs, W1231fs.
Identifiers: ClinVar variation 2706443 (VCV002706443.3), dbSNP rs2546046258, ClinGen allele CA2697548249.

ClinVar aggregate classification (germline): Pathogenic (1 of 4 stars; one submission).

Conditions:
Neuromuscular disease caused by qualitative or quantitative defects of dysferlin. Also called: Qualitative or quantitative defects of dysferlin; Dysferlinopathy. Identifiers: Orphanet 207073, MedGen C2931687, MONDO:0016145.

Submission:

Labcorp Genetics (formerly Invitae), Labcorp
Classification: Pathogenic for Neuromuscular disease caused by qualitative or quantitative defects of dysferlin. Last evaluated: 2023-12-30. Review status: criteria provided, single submitter. Criteria: Invitae Variant Classification Sherloc (09022015). Collection method: clinical testing. Allele origin: germline.
Comment: This sequence change creates a premature translational stop signal (p.Trp1199Glyfs*62) in the DYSF gene. It is expected to result in an absent or disrupted protein product. Loss-of-function variants in DYSF are known to be pathogenic (PMID: 17698709, 20301480). This variant is not present in population databases (gnomAD no frequency). This variant has not been reported in the literature in individuals affected with DYSF-related conditions. For these reasons, this variant has been classified as Pathogenic.

Literature cited by the submitters: PubMed 17698709; PubMed 20301480.